The following is an entry in ClinVar:

NM_001286577.2(C2CD3):c.6434G>A (p.Gly2145Asp)

Gene: C2CD3 (C2 domain containing 3 centriole elongation regulator; minus strand). Cytogenetic location: 11q13.4.
Variant type: single nucleotide variant.
Coding change: c.6434G>A on transcript NM_001286577.2 (MANE Select); coding-DNA position 6434, G replaced by A.
Protein change: p.Gly2145Asp; replaces glycine 2145 with aspartic acid.
Molecular consequence: missense variant.
Genome position (GRCh38, 1-based): chr11:74,033,726, C>T on the plus strand (G>A on the coding strand, the complement: C2CD3 is on the minus strand). VCF-style: chr11-74033726-C-T. GRCh37 (hg19) VCF-style: chr11-73744771-C-T.
Other names: short protein forms G2145D.
Identifiers: ClinVar variation 2088809 (VCV002088809.4), dbSNP rs541932402, ClinGen allele CA381820322.
Genomic context (GRCh38, chr11:74,033,726, plus strand): 5'-CCACCAACCCTGGCCTTAGAGGCCTCACACTCACAAGCAACAAGACTTTGGCTAGGAGAA[C>T]CCTGCCTAGGCAGGTGGGGGTTGACAGCCCTTTCTGGGCTGGAGAGAAAGCTACTTTTGA-3'
Protein context (NP_001273506.1, residues 2135-2155): RAVNPHLPRQ[Gly2145Asp]SPSQSLVACE

ClinVar aggregate classification (germline): Uncertain significance (1 of 4 stars; one submission).

Submission:

Labcorp Genetics (formerly Invitae), Labcorp
Classification: Uncertain significance. Last evaluated: 2022-06-24. Review status: criteria provided, single submitter. Criteria: Invitae Variant Classification Sherloc (09022015). Collection method: clinical testing. Allele origin: germline.
Comment: The C2CD3 gene has multiple clinically relevant transcripts. This variant occurs in alternate transcript NM_001286577.1, and corresponds to NM_015531.5:c.*872G>A in the primary transcript. This sequence change replaces glycine, which is neutral and non-polar, with aspartic acid, which is acidic and polar, at codon 2145 of the C2CD3 protein (p.Gly2145Asp). In summary, the available evidence is currently insufficient to determine the role of this variant in disease. Therefore, it has been classified as a Variant of Uncertain Significance. Experimental studies and prediction algorithms are not available or were not evaluated, and the functional significance of this variant is currently unknown. This variant has not been reported in the literature in individuals affected with C2CD3-related conditions. This variant is not present in population databases (gnomAD no frequency).